The following is an entry in ClinVar:

ClinVar aggregate classification (germline): Uncertain significance. Review status: criteria provided, multiple submitters, no conflicts (2 of 4 stars). 2 submissions from 2 submitters: Uncertain significance (2). Last evaluated 2023-04-20.

Conditions:
Inborn genetic diseases. Identifiers: MedGen C0950123, MeSH D030342.

Allele frequency attached by ClinVar (database versions not stated): TOPMed below 0.00001; gnomAD exomes 0.00001.

Submissions (2):

Ambry Genetics
Classification: Uncertain significance for Inborn genetic diseases. Last evaluated: 2023-04-20. Review status: criteria provided, single submitter. Criteria: Ambry Variant Classification Scheme 2023. Collection method: clinical testing. Allele origin: germline.

Labcorp Genetics (formerly Invitae), Labcorp
Classification: Uncertain significance. Last evaluated: 2022-07-05. Review status: criteria provided, single submitter. Criteria: Invitae Variant Classification Sherloc (09022015). Collection method: clinical testing. Allele origin: germline.
Comment: In summary, the available evidence is currently insufficient to determine the role of this variant in disease. Therefore, it has been classified as a Variant of Uncertain Significance. Algorithms developed to predict the effect of missense changes on protein structure and function (SIFT, PolyPhen-2, Align-GVGD) all suggest that this variant is likely to be tolerated. ClinVar contains an entry for this variant (Variation ID: 1346405). This variant has not been reported in the literature in individuals affected with CISD2-related conditions. The frequency data for this variant in the population databases is considered unreliable, as metrics indicate poor data quality at this position in the gnomAD database. This sequence change replaces valine, which is neutral and non-polar, with isoleucine, which is neutral and non-polar, at codon 135 of the CISD2 protein (p.Val135Ile).

NM_001008388.5(CISD2):c.403G>A (p.Val135Ile)

Genes: CISD2 (CDGSH iron sulfur domain 2; plus strand), SLC9B1 (solute carrier family 9 member B1; minus strand). Cytogenetic location: 4q24.
Variant type: single nucleotide variant.
Coding change: c.403G>A on transcript NM_001008388.5 (MANE Select); coding-DNA position 403, G replaced by A.
Protein change: p.Val135Ile; replaces valine 135 with isoleucine.
Molecular consequence: missense variant. On other transcripts: intron variant (1).
Genome position (GRCh38, 1-based): chr4:102,887,425, G>A. VCF-style: chr4-102887425-G-A. GRCh37 (hg19) VCF-style: chr4-103808582-G-A.
Other names: c.1333-2097C>T (NM_001100874.3); short protein forms V135I.
Identifiers: ClinVar variation 1346405 (VCV001346405.8), dbSNP rs1194858342, ClinGen allele CA357763606.